The following is an entry in ClinVar:

ClinVar aggregate classification (germline): Benign. Review status: criteria provided, multiple submitters, no conflicts (2 of 4 stars). 2 submissions from 2 submitters: Benign (2). Last evaluated 2018-01-13.

Conditions:
Senior-Loken syndrome 5 (SLSN5). Identifiers: Orphanet 3156, MedGen C1836517, MONDO:0012225, OMIM 609254.

Allele frequency attached by ClinVar (database versions not stated): 1000 Genomes Project 0.01857; 1000 Genomes Project 30x 0.01968; gnomAD 0.02798 and 0.02852; TOPMed 0.02826.
gnomAD v4.1: 17,880 of 574,224 alleles (3.1%); highest among the groups gnomAD compares: Middle Eastern, 4.7%; 358 homozygotes.

Submissions (2):

Illumina Laboratory Services, Illumina
Classification: Benign for Senior-Loken syndrome 5. Last evaluated: 2018-01-13. Review status: criteria provided, single submitter. Criteria: ICSL Variant Classification Criteria 13 December 2019. Collection method: clinical testing. Allele origin: germline.
Comment: This variant was observed in the ICSL laboratory as part of a predisposition screen in an ostensibly healthy population. It had not been previously curated by ICSL or reported in the Human Gene Mutation Database (HGMD: prior to June 1st, 2018), and was therefore a candidate for classification through an automated scoring system. Utilizing variant allele frequency, disease prevalence and penetrance estimates, and inheritance mode, an automated score was calculated to assess if this variant is too frequent to cause the disease. Based on the score and internal cut-off values, a variant classified as benign is not then subjected to further curation. The score for this variant resulted in a classification of benign for this disease.

Breakthrough Genomics
Classification: Benign. Review status: criteria provided, single submitter. Criteria: ACMG Guidelines, 2015. Collection method: not provided. Allele origin: germline. Inheritance: Autosomal recessive inheritance. Affected: yes.

NM_001023570.4(IQCB1):c.-193T>C

Gene: IQCB1 (IQ motif containing B1; minus strand). Cytogenetic location: 3q13.33.
Variant type: single nucleotide variant.
Coding change: c.-193T>C on transcript NM_001023570.4 (MANE Select); 193 bases upstream of the start codon, T replaced by C.
Molecular consequence: 5 prime UTR variant. On other transcripts: non-coding transcript variant (1).
Genome position (GRCh38, 1-based): chr3:121,835,057, A>G on the plus strand (T>C on the coding strand, the complement: IQCB1 is on the minus strand). VCF-style: chr3-121835057-A-G. GRCh37 (hg19) VCF-style: chr3-121553904-A-G.
Other names: c.-193T>C (NM_001023571.4); c.-192T>C (NM_001319107.2).
Identifiers: ClinVar variation 342790 (VCV000342790.6), dbSNP rs114555283, ClinGen allele CA10614597.
Genomic context (GRCh38, chr3:121,835,057, plus strand): 5'-AACCTGGGGCTCCCACGCCGCACTACAGCGCCGCGGCCTTCCGGGGCAGCGTGCGTCGCG[A>G]CGCGGGAAGGGGCCTGGAGGCGGGACTAGGAGCCTCGGAGTCAAGGGGCGGAGCGCCCTT-3'